The following is an entry in ClinVar:

ClinVar aggregate classification (germline): Uncertain significance (1 of 4 stars; one submission).

Conditions:
Dilated cardiomyopathy 1J (CMD1J). Also called: CARDIOMYOPATHY, DILATED, WITH SENSORINEURAL HEARING LOSS, AUTOSOMAL DOMINANT. Identifiers: Orphanet 217622, MedGen C1854368, MONDO:0011541, OMIM 605362.

Submission:

Labcorp Genetics (formerly Invitae), Labcorp
Classification: Uncertain significance for Dilated cardiomyopathy 1J. Last evaluated: 2023-08-17. Review status: criteria provided, single submitter. Criteria: Invitae Variant Classification Sherloc (09022015). Collection method: clinical testing. Allele origin: germline.
Comment: In summary, the available evidence is currently insufficient to determine the role of this variant in disease. Therefore, it has been classified as a Variant of Uncertain Significance. Advanced modeling of protein sequence and biophysical properties (such as structural, functional, and spatial information, amino acid conservation, physicochemical variation, residue mobility, and thermodynamic stability) performed at Invitae indicates that this missense variant is not expected to disrupt EYA4 protein function. This variant has not been reported in the literature in individuals affected with EYA4-related conditions. This variant is not present in population databases (gnomAD no frequency). This sequence change replaces glutamine, which is neutral and polar, with histidine, which is basic and polar, at codon 322 of the EYA4 protein (p.Gln322His).

NM_004100.5(EYA4):c.966A>T (p.Gln322His)

Gene: EYA4 (EYA transcriptional coactivator and phosphatase 4; plus strand). Cytogenetic location: 6q23.2.
Variant type: single nucleotide variant.
Coding change: c.966A>T on transcript NM_004100.5 (MANE Select); coding-DNA position 966, A replaced by T.
Protein change: p.Gln322His; replaces glutamine 322 with histidine.
Molecular consequence: missense variant.
Genome position (GRCh38, 1-based): chr6:133,468,727, A>T. VCF-style: chr6-133468727-A-T. GRCh37 (hg19) VCF-style: chr6-133789865-A-T.
Other names: c.804A>T, p.Gln268His (NM_001301012.2, NM_001370459.1); c.966A>T, p.Gln322His (NM_001301013.2, NM_172105.4); c.897A>T, p.Gln299His (NM_001370458.1, NM_172103.4); short protein forms Q268H, Q299H, Q322H.
Identifiers: ClinVar variation 2753331 (VCV002753331.3), dbSNP rs762696698, ClinGen allele CA365703962.